The following is an entry in ClinVar:

NM_002972.4(SBF1):c.2702G>A (p.Arg901His)

Gene: SBF1 (SET binding factor 1; minus strand). Cytogenetic location: 22q13.33.
Variant type: single nucleotide variant.
Coding change: c.2702G>A on transcript NM_002972.4 (MANE Select); coding-DNA position 2702, G replaced by A.
Protein change: p.Arg901His; replaces arginine 901 with histidine.
Molecular consequence: missense variant.
Genome position (GRCh38, 1-based): chr22:50,461,660, C>T on the plus strand (G>A on the coding strand, the complement: SBF1 is on the minus strand). VCF-style: chr22-50461660-C-T. GRCh37 (hg19) VCF-style: chr22-50900089-C-T.
Other names: p.Arg901His; c.2705G>A, p.Arg902His (NM_001365819.1, NM_001410794.1); c.2702G>A, p.Arg901His (NM_001410795.1, NM_197971.1); short protein forms R902H, R901H.
Identifiers: ClinVar variation 2099760 (VCV002099760.5), dbSNP rs763212089, ClinGen allele CA10317083.

ClinVar aggregate classification (germline): Uncertain significance. Review status: criteria provided, multiple submitters, no conflicts (2 of 4 stars). 2 submissions from 2 submitters: Uncertain significance (2). Last evaluated 2025-03-12.

Allele frequency attached by ClinVar (database versions not stated): gnomAD exomes below 0.00001; ExAC 0.00001; TOPMed 0.00001.
gnomAD v4.1: 2 of 1,610,762 alleles (0.00012%); highest among the groups gnomAD compares: Non-Finnish European, 0.00017%; no homozygotes.

Submissions (2):

Mayo Clinic Laboratories, Mayo Clinic
Classification: Uncertain significance. Last evaluated: 2025-03-12. Review status: criteria provided, single submitter. Criteria: ACMG Guidelines, 2015. Collection method: clinical testing. Allele origin: germline. Observed: 1 variant allele.
Comment: PP3

Labcorp Genetics (formerly Invitae), Labcorp
Classification: Uncertain significance. Last evaluated: 2022-07-08. Review status: criteria provided, single submitter. Criteria: Invitae Variant Classification Sherloc (09022015). Collection method: clinical testing. Allele origin: germline.
Comment: This variant is present in population databases (rs763212089, gnomAD 0.001%). This sequence change replaces arginine, which is basic and polar, with histidine, which is basic and polar, at codon 901 of the SBF1 protein (p.Arg901His). This variant has not been reported in the literature in individuals affected with SBF1-related conditions. In summary, the available evidence is currently insufficient to determine the role of this variant in disease. Therefore, it has been classified as a Variant of Uncertain Significance. Algorithms developed to predict the effect of missense changes on protein structure and function are either unavailable or do not agree on the potential impact of this missense change (SIFT: "Tolerated"; PolyPhen-2: "Probably Damaging"; Align-GVGD: "Class C0").